The following is an entry in ClinVar:

NM_004655.4(AXIN2):c.866A>G (p.Tyr289Cys)

Gene: AXIN2 (axin 2; minus strand). Cytogenetic location: 17q24.1.
Variant type: single nucleotide variant.
Coding change: c.866A>G on transcript NM_004655.4 (MANE Select); coding-DNA position 866, A replaced by G.
Protein change: p.Tyr289Cys; replaces tyrosine 289 with cysteine.
Molecular consequence: missense variant.
Genome position (GRCh38, 1-based): chr17:65,549,610, T>C on the plus strand (A>G on the coding strand, the complement: AXIN2 is on the minus strand). VCF-style: chr17-65549610-T-C. GRCh37 (hg19) VCF-style: chr17-63545728-T-C.
Other names: c.866A>G (LRG_296t1); c.866A>G, p.Tyr289Cys (NM_001363813.1); short protein forms Y289C.
Identifiers: ClinVar variation 408829 (VCV000408829.12), dbSNP rs1060502148, ClinGen allele CA16615953.

ClinVar aggregate classification (germline): Uncertain significance. Review status: criteria provided, multiple submitters, no conflicts (2 of 4 stars). 2 submissions from 2 submitters: Uncertain significance (2). Last evaluated 2025-11-09.

Conditions:
Hereditary cancer-predisposing syndrome. Also called: Hereditary Cancer Syndrome; Hereditary neoplastic syndrome; Neoplastic Syndromes, Hereditary; Tumor predisposition. Identifiers: Orphanet 140162, MedGen C0027672, MeSH D009386, MONDO:0015356.
Oligodontia-cancer predisposition syndrome. Also called: TOOTH AGENESIS-COLORECTAL CANCER SYNDROME. Identifiers: Orphanet 300576, MedGen C1837750, MONDO:0012075, OMIM 608615. Disease mechanism: loss of function.

gnomAD v4.1: 3 of 1,606,192 alleles (0.00019%); highest among the groups gnomAD compares: Non-Finnish European, 0.00026%; no homozygotes.

Submissions (2):

Labcorp Genetics (formerly Invitae), Labcorp
Classification: Uncertain significance for Oligodontia-cancer predisposition syndrome. Last evaluated: 2025-11-09. Review status: criteria provided, single submitter. Criteria: Invitae Variant Classification Sherloc (09022015). Collection method: clinical testing. Allele origin: germline.
Comment: This sequence change replaces tyrosine, which is neutral and polar, with cysteine, which is neutral and slightly polar, at codon 289 of the AXIN2 protein (p.Tyr289Cys). This variant is not present in population databases (gnomAD no frequency). This variant has not been reported in the literature in individuals affected with AXIN2-related conditions. ClinVar contains an entry for this variant (Variation ID: 408829). Invitae Evidence Modeling of protein sequence and biophysical properties (such as structural, functional, and spatial information, amino acid conservation, physicochemical variation, residue mobility, and thermodynamic stability) indicates that this missense variant is not expected to disrupt AXIN2 protein function with a negative predictive value of 80%. In summary, the available evidence is currently insufficient to determine the role of this variant in disease. Therefore, it has been classified as a Variant of Uncertain Significance.

Ambry Genetics
Classification: Uncertain significance for Hereditary cancer-predisposing syndrome. Last evaluated: 2024-06-21. Review status: criteria provided, single submitter. Criteria: Ambry Variant Classification Scheme 2023. Collection method: clinical testing. Allele origin: germline.
Comment: The p.Y289C variant (also known as c.866A>G), located in coding exon 2 of the AXIN2 gene, results from an A to G substitution at nucleotide position 866. The tyrosine at codon 289 is replaced by cysteine, an amino acid with highly dissimilar properties. This amino acid position is conserved. In addition, the in silico prediction for this alteration is inconclusive. Since supporting evidence is limited at this time, the clinical significance of this alteration remains unclear.